The following is an entry in ClinVar:

ClinVar aggregate classification (germline): Uncertain significance (1 of 4 stars; one submission).

Submission:

Labcorp Genetics (formerly Invitae), Labcorp
Classification: Uncertain significance. Last evaluated: 2026-01-13. Review status: criteria provided, single submitter. Criteria: Invitae Variant Classification Sherloc (09022015). Collection method: clinical testing. Allele origin: germline.
Comment: This sequence change replaces lysine, which is basic and polar, with arginine, which is basic and polar, at codon 1026 of the TOP2B protein (p.Lys1026Arg). This variant is not present in population databases (gnomAD no frequency). This variant has not been reported in the literature in individuals affected with TOP2B-related conditions. An algorithm developed to predict the effect of missense changes on protein structure and function (PolyPhen-2) suggests that this variant is likely to be tolerated. In summary, the available evidence is currently insufficient to determine the role of this variant in disease. Therefore, it has been classified as a Variant of Uncertain Significance.

NM_001330700.2(TOP2B):c.3092A>G (p.Lys1031Arg)

Gene: TOP2B (DNA topoisomerase II beta; minus strand). Cytogenetic location: 3p24.2.
Variant type: single nucleotide variant.
Coding change: c.3092A>G on transcript NM_001330700.2 (MANE Select); coding-DNA position 3092, A replaced by G.
Protein change: p.Lys1031Arg; replaces lysine 1031 with arginine.
Molecular consequence: missense variant.
Genome position (GRCh38, 1-based): chr3:25,618,821, T>C on the plus strand (A>G on the coding strand, the complement: TOP2B is on the minus strand). VCF-style: chr3-25618821-T-C. GRCh37 (hg19) VCF-style: chr3-25660312-T-C.
Other names: c.3077A>G, p.Lys1026Arg (NM_001068.3); short protein forms K1026R, K1031R.
Identifiers: ClinVar variation 4731518 (VCV004731518.1).